The following is an entry in ClinVar:

ClinVar aggregate classification (germline): Uncertain significance (1 of 4 stars; one submission).

Submission:

GeneDx
Classification: Uncertain significance. Last evaluated: 2023-05-04. Review status: criteria provided, single submitter. Criteria: GeneDx Variant Classification Process June 2021. Collection method: clinical testing. Allele origin: germline. Affected: yes.
Comment: Not observed at significant frequency in large population cohorts (gnomAD); In silico analysis supports that this missense variant does not alter protein structure/function; Has not been previously published as pathogenic or benign to our knowledge

NM_001379451.1(BCORL1):c.1831A>G (p.Met611Val)

Gene: BCORL1 (BCL6 corepressor like 1; plus strand). Cytogenetic location: Xq26.1.
Variant type: single nucleotide variant.
Coding change: c.1831A>G on transcript NM_001379451.1 (MANE Select); coding-DNA position 1831, A replaced by G.
Protein change: p.Met611Val; replaces methionine 611 with valine.
Molecular consequence: missense variant.
Genome position (GRCh38, 1-based): chrX:130,014,603, A>G. VCF-style: chrX-130014603-A-G. GRCh37 (hg19) VCF-style: chrX-129148579-A-G.
Other names: c.1831A>G, p.Met611Val (NM_001184772.3, NM_001379450.1, NM_021946.5); short protein forms M611V.
Identifiers: ClinVar variation 2662228 (VCV002662228.1), dbSNP rs2522667285, ClinGen allele CA414586354.
Genomic context (GRCh38, chrX:130,014,603, plus strand): 5'-ACAGAAGGGACTTCCGTTACCTTCTCTCCTCTTAAGTCACCGCCACAGCTGGAACGAGAG[A>G]TGGCCTCTCCACCTGAGTGCAGCGAGATGCCCCTTGATCTGTCCTCCAAGTCCAACCGCC-3'
Protein context (NP_001366380.1, residues 601-621): LKSPPQLERE[Met611Val]ASPPECSEMP